The following is an entry in ClinVar:

NM_004456.5(EZH2):c.580G>A (p.Glu194Lys)

Gene: EZH2 (enhancer of zeste 2 polycomb repressive complex 2 subunit; minus strand). Cytogenetic location: 7q36.1.
Variant type: single nucleotide variant.
Coding change: c.580G>A on transcript NM_004456.5 (MANE Select); coding-DNA position 580, G replaced by A.
Protein change: p.Glu194Lys; replaces glutamic acid 194 with lysine.
Molecular consequence: missense variant.
Genome position (GRCh38, 1-based): chr7:148,828,785, C>T on the plus strand (G>A on the coding strand, the complement: EZH2 is on the minus strand). VCF-style: chr7-148828785-C-T. GRCh37 (hg19) VCF-style: chr7-148525877-C-T.
Other names: c.580G>A, p.Glu194Lys (NM_001203247.2); c.553G>A, p.Glu185Lys (NM_001203248.2, NM_001203249.2); c.463G>A, p.Glu155Lys (NM_152998.3); short protein forms E185K, E194K, E155K.
Identifiers: ClinVar variation 4754786 (VCV004754786.1).

ClinVar aggregate classification (germline): Uncertain significance (1 of 4 stars; one submission).

Conditions:
Weaver syndrome (WVS). Also called: Weaver Smith syndrome; Overgrowth syndrome with accelerated skeletal maturation, unusual facies, and camptodactyly. Identifiers: Orphanet 3447, MedGen C0265210, MONDO:0010193, OMIM 277590.

gnomAD v4.1: 2 of 1,613,754 alleles (0.00012%); highest among the groups gnomAD compares: Admixed American, 0.0033%; no homozygotes.

Submission:

Labcorp Genetics (formerly Invitae), Labcorp
Classification: Uncertain significance for Weaver syndrome. Last evaluated: 2025-09-22. Review status: criteria provided, single submitter. Criteria: Invitae Variant Classification Sherloc (09022015). Collection method: clinical testing. Allele origin: germline.
Comment: This sequence change replaces glutamic acid, which is acidic and polar, with lysine, which is basic and polar, at codon 194 of the EZH2 protein (p.Glu194Lys). This variant is not present in population databases (gnomAD no frequency). This variant has not been reported in the literature in individuals affected with EZH2-related conditions. Invitae Evidence Modeling of protein sequence and biophysical properties (such as structural, functional, and spatial information, amino acid conservation, physicochemical variation, residue mobility, and thermodynamic stability) indicates that this missense variant is not expected to disrupt EZH2 protein function with a negative predictive value of 80%. In summary, the available evidence is currently insufficient to determine the role of this variant in disease. Therefore, it has been classified as a Variant of Uncertain Significance.